The following is an entry in ClinVar:

ClinVar aggregate classification (germline): Uncertain significance. Review status: criteria provided, multiple submitters, no conflicts (2 of 4 stars). 2 submissions from 2 submitters: Uncertain significance (2). Last evaluated 2025-08-01.

Conditions:
BBS10-related disorder. Also called: BBS10-related condition.
Bardet-Biedl syndrome (BBS). Identifiers: Orphanet 110, MedGen C0752166, MONDO:0015229.

Allele frequency attached by ClinVar (database versions not stated): TOPMed below 0.00001; gnomAD 0.00001.

Submissions (2):

PreventionGenetics, part of Exact Sciences
Classification: Uncertain significance for BBS10-related condition. Last evaluated: 2025-08-01. Review status: criteria provided, single submitter. Criteria: ACMG Guidelines, 2015. Collection method: clinical testing. Allele origin: germline.
Comment: The BBS10 c.166G>C variant is predicted to result in the amino acid substitution p.Glu56Gln. To our knowledge, this variant has not been reported in the literature or in a large population database (gnomAD), indicating this variant is rare. At this time, the clinical significance of this variant is uncertain due to the absence of conclusive functional and genetic evidence.

Labcorp Genetics (formerly Invitae), Labcorp
Classification: Uncertain significance for Bardet-Biedl syndrome. Last evaluated: 2022-04-15. Review status: criteria provided, single submitter. Criteria: Invitae Variant Classification Sherloc (09022015). Collection method: clinical testing. Allele origin: germline.
Comment: This sequence change replaces glutamic acid, which is acidic and polar, with glutamine, which is neutral and polar, at codon 56 of the BBS10 protein (p.Glu56Gln). This variant is not present in population databases (gnomAD no frequency). This variant has not been reported in the literature in individuals affected with BBS10-related conditions. Algorithms developed to predict the effect of missense changes on protein structure and function output the following: SIFT: "Tolerated"; PolyPhen-2: "Benign"; Align-GVGD: "Class C0". The glutamine amino acid residue is found in multiple mammalian species, which suggests that this missense change does not adversely affect protein function. In summary, the available evidence is currently insufficient to determine the role of this variant in disease. Therefore, it has been classified as a Variant of Uncertain Significance.

NM_024685.4(BBS10):c.166G>C (p.Glu56Gln)

Gene: BBS10 (Bardet-Biedl syndrome 10; minus strand). Cytogenetic location: 12q21.2.
Variant type: single nucleotide variant.
Coding change: c.166G>C on transcript NM_024685.4 (MANE Select); coding-DNA position 166, G replaced by C.
Protein change: p.Glu56Gln; replaces glutamic acid 56 with glutamine.
Molecular consequence: missense variant.
Genome position (GRCh38, 1-based): chr12:76,348,193, C>G on the plus strand (G>C on the coding strand, the complement: BBS10 is on the minus strand). VCF-style: chr12-76348193-C-G. GRCh37 (hg19) VCF-style: chr12-76741973-C-G.
Other names: c.166G>C (NM_024685.3); short protein forms E56Q.
Identifiers: ClinVar variation 2174108 (VCV002174108.2), dbSNP rs1951778058, ClinGen allele CA385816111.
Genomic context (GRCh38, chr12:76,348,193, plus strand): 5'-CTACGGGTTAGCGTGTGGGACGCGGGTACCTGGCTATGGGATGCTCTAAGTGTAGCGCCT[C>G]CAGGAGGCGGCCTCCATTCCGGCTGAGAAGCACCTCGCCAGTGGGCTTCGTACACAAAAC-3'
Protein context (NP_078961.3, residues 46-66): LLSRNGGRLL[Glu56Gln]ALHLEHPIAR